The following is an entry in ClinVar:

ClinVar aggregate classification (germline): Uncertain significance (1 of 4 stars; one submission).

Submission:

Labcorp Genetics (formerly Invitae), Labcorp
Classification: Uncertain significance. Last evaluated: 2025-11-08. Review status: criteria provided, single submitter. Criteria: Invitae Variant Classification Sherloc (09022015). Collection method: clinical testing. Allele origin: germline.
Comment: This sequence change replaces threonine, which is neutral and polar, with aspartic acid, which is acidic and polar, at codon 90 of the RFWD3 protein (p.Thr90Asp). The frequency data for this variant in the population databases is considered unreliable, as metrics indicate poor data quality at this position in the gnomAD database. This variant has not been reported in the literature in individuals affected with RFWD3-related conditions. An algorithm developed to predict the effect of missense changes on protein structure and function (PolyPhen-2) suggests that this variant is likely to be tolerated. In summary, the available evidence is currently insufficient to determine the role of this variant in disease. Therefore, it has been classified as a Variant of Uncertain Significance.

NM_018124.4(RFWD3):c.268_269delinsGA (p.Thr90Asp)

Gene: RFWD3 (ring finger and WD repeat domain 3; minus strand). Cytogenetic location: 16q23.1.
Variant type: Indel.
Coding change: c.268_269delinsGA on transcript NM_018124.4 (MANE Select); coding-DNA positions 268 to 269, AC replaced by GA.
Protein change: p.Thr90Asp; replaces threonine 90 with aspartic acid.
Molecular consequence: missense variant. On other transcripts: 5 prime UTR variant (4), intron variant (1).
Genome position (GRCh38, 1-based): chr16:74,661,181-74,661,182, GT replaced by TC on the plus strand (AC replaced by GA on the coding strand, the reverse complement: RFWD3 is on the minus strand). VCF-style: chr16-74661181-GT-TC. GRCh37 (hg19) VCF-style: chr16-74695079-GT-TC.
Other names: c.268_269delinsGA, p.Thr90Asp (NM_001370534.1, NM_001370535.1, NM_001370536.1); c.-741_-740delinsGA (NM_001370537.1); c.-364_-363delinsGA (NM_001370539.1); c.-618_-617delinsGA (NM_001370542.1); c.-496_-495delinsGA (NM_001370543.1); c.-317+3442_-317+3443delinsGA (NM_001370540.1); short protein forms T90D.
Identifiers: ClinVar variation 4762451 (VCV004762451.1).